The following is an entry in ClinVar:

NM_003998.4(NFKB1):c.1210+16T>C

Gene: NFKB1 (nuclear factor kappa B subunit 1; plus strand). Cytogenetic location: 4q24.
Variant type: single nucleotide variant.
Coding change: c.1210+16T>C on transcript NM_003998.4 (MANE Select); 16 bases into the intron after coding-DNA position 1210, T replaced by C.
Molecular consequence: intron variant.
Genome position (GRCh38, 1-based): chr4:102,593,584, T>C. VCF-style: chr4-102593584-T-C. GRCh37 (hg19) VCF-style: chr4-103514741-T-C.
Other names: c.1210+16T>C (NM_001382626.1, NM_001382625.1); c.1207+16T>C (NM_001382627.1, NM_001165412.2, NM_001319226.2); c.1168+16T>C (NM_001382628.1).
Identifiers: ClinVar variation 1168266 (VCV001168266.14), dbSNP rs4648050, ClinGen allele CA3026096.

ClinVar aggregate classification (germline): Benign. Review status: criteria provided, multiple submitters, no conflicts (2 of 4 stars). 6 submissions from 6 submitters: Benign (6). Last evaluated 2026-02-04.

Conditions:
Immunodeficiency, common variable, 12 (CVID12). Also called: NFKB1 DEFICIENCY; IMMUNODEFICIENCY, COMMON VARIABLE, 12, WITH AUTOIMMUNITY. Identifiers: Orphanet 1572, Orphanet 696874, MedGen C4225277, MONDO:0014697, OMIM 616576.

Allele frequency attached by ClinVar (database versions not stated): TOPMed 0.32514; 1000 Genomes Project 0.32907; ESP Exome Variant Server 0.30917; 1000 Genomes Project 30x 0.33104.
gnomAD v4.1: 540,365 of 1,600,628 alleles (34%); highest among the groups gnomAD compares: Admixed American, 50%; 93,617 homozygotes.

Submissions (6):

Labcorp Genetics (formerly Invitae), Labcorp
Classification: Benign. Last evaluated: 2026-02-04. Review status: criteria provided, single submitter. Criteria: Invitae Variant Classification Sherloc (09022015). Collection method: clinical testing. Allele origin: germline.

Women's Health and Genetics/Laboratory Corporation of America, LabCorp
Classification: Benign. Last evaluated: 2026-01-21. Review status: criteria provided, single submitter. Criteria: LabCorp Variant Classification Summary - May 2015. Collection method: clinical testing. Allele origin: germline.

Unidad de Genómica Garrahan, Hospital de Pediatría Garrahan
Classification: Benign. Last evaluated: 2023-11-12. Review status: criteria provided, single submitter. Criteria: ACMG Guidelines, 2015. Collection method: clinical testing. Allele origin: germline. Affected: no. Observed: 59 variant alleles.
Comment: This variant is classified as Benign based on local population frequency. This variant was detected in 61% of patients studied by a panel of primary immunodeficiencies. Number of patients: 59. Only high quality variants are reported.

Genome-Nilou Lab
Classification: Benign for Immunodeficiency, common variable, 12. Last evaluated: 2021-09-05. Review status: criteria provided, single submitter. Criteria: ACMG Guidelines, 2015. Collection method: clinical testing. Allele origin: germline. Affected: no.

GeneDx
Classification: Benign. Last evaluated: 2018-09-11. Review status: criteria provided, single submitter. Criteria: GeneDx Variant Classification Process June 2021. Collection method: clinical testing. Allele origin: germline. Affected: yes.

Breakthrough Genomics
Classification: Benign. Review status: criteria provided, single submitter. Criteria: ACMG Guidelines, 2015. Collection method: not provided. Allele origin: germline. Inheritance: Autosomal dominant inheritance. Affected: yes.